The following is an entry in ClinVar:

ClinVar aggregate classification (germline): Uncertain significance (1 of 4 stars; one submission).

Allele frequency attached by ClinVar (database versions not stated): gnomAD 0.00001; gnomAD exomes 0.00001; ExAC 0.00002; TOPMed 0.00002.
gnomAD v4.1: 10 of 1,614,034 alleles (0.00062%); highest among the groups gnomAD compares: Admixed American, 0.017%; no homozygotes.

Submission:

Labcorp Genetics (formerly Invitae), Labcorp
Classification: Uncertain significance. Last evaluated: 2024-09-06. Review status: criteria provided, single submitter. Criteria: Invitae Variant Classification Sherloc (09022015). Collection method: clinical testing. Allele origin: germline.
Comment: This sequence change replaces methionine, which is neutral and non-polar, with leucine, which is neutral and non-polar, at codon 77 of the DISP1 protein (p.Met77Leu). This variant is present in population databases (rs752936308, gnomAD 0.02%). This variant has not been reported in the literature in individuals affected with DISP1-related conditions. An algorithm developed to predict the effect of missense changes on protein structure and function outputs the following: PolyPhen-2: "Benign". The leucine amino acid residue is found in multiple mammalian species, which suggests that this missense change does not adversely affect protein function. In summary, the available evidence is currently insufficient to determine the role of this variant in disease. Therefore, it has been classified as a Variant of Uncertain Significance.

NM_001377229.1(DISP1):c.229A>C (p.Met77Leu)

Gene: DISP1 (dispatched RND transporter family member 1; plus strand). Cytogenetic location: 1q41.
Variant type: single nucleotide variant.
Coding change: c.229A>C on transcript NM_001377229.1 (MANE Select); coding-DNA position 229, A replaced by C.
Protein change: p.Met77Leu; replaces methionine 77 with leucine.
Molecular consequence: missense variant. On other transcripts: 5 prime UTR variant (1).
Genome position (GRCh38, 1-based): chr1:222,943,052, A>C. VCF-style: chr1-222943052-A-C. GRCh37 (hg19) VCF-style: chr1-223116394-A-C.
Other names: c.-659A>C (NM_001350630.2); c.229A>C, p.Met77Leu (NM_001369594.1, NM_001377228.1, NM_032890.5); short protein forms M77L.
Identifiers: ClinVar variation 2974026 (VCV002974026.3), dbSNP rs752936308, ClinGen allele CA1408760.
Genomic context (GRCh38, chr1:222,943,052, plus strand): 5'-CAACTTAATGGCACGGTCAAATCATCCTTTCTGCCTTTAGACAACCAAAGAATGCCTCAG[A>C]TGTTACCCCAATGCTGCCATCCTTGCCCATACCATCACCCTTTGACTAGCCATAGCAGTC-3'
Protein context (NP_001364158.1, residues 67-87): LPLDNQRMPQ[Met77Leu]LPQCCHPCPY